The following is an entry in ClinVar:

ClinVar aggregate classification (germline): Likely pathogenic (1 of 4 stars; one submission).

Conditions:
Polycystic kidney disease, adult type (PKD1). Also called: Polycystic Kidney Disease 1, Autosomal Dominant; Polycystic kidney disease 1; Polycystic kidney disease 1, severe; POLYCYSTIC KIDNEY DISEASE, ADULT, TYPE I; Polycystic Kidney, Autosomal Dominant; POLYCYSTIC KIDNEY DISEASE 1 WITH OR WITHOUT POLYCYSTIC LIVER DISEASE. Identifiers: MedGen C3149841, MONDO:0008263, OMIM 173900.

Submission:

Juno Genomics, Hangzhou Juno Genomics, Inc
Classification: Likely pathogenic for Polycystic kidney disease, adult type. Review status: criteria provided, single submitter. Criteria: ACMG Guidelines, 2015. Collection method: clinical testing. Allele origin: germline. Affected: yes.
Comment: Absent from controls (or at extremely low frequency if recessive) in Genome Aggregation Database, Exome Sequencing Project, 1000 Genomes Project, or Exome Aggregation Consortium.;Null variant in a gene where loss of function (LOF) is a known mechanism of disease.

NM_001009944.3(PKD1):c.9097del (p.Leu3033fs)

Gene: PKD1 (polycystin 1, transient receptor potential channel interacting; minus strand). Cytogenetic location: 16p13.3.
Variant type: Deletion.
Coding change: c.9097del on transcript NM_001009944.3 (MANE Select); coding-DNA position 9097, one base deleted (C; older notation c.9097delC).
Protein change: p.Leu3033fs; shifts the reading frame from leucine 3033.
Molecular consequence: frameshift variant.
Genome position (GRCh38, 1-based): chr16:2,102,485, G deleted on the plus strand (C on the coding strand, the reverse complement: PKD1 is on the minus strand); the first of 4 consecutive G bases (chr16:2,102,485-2,102,488); deleting any one gives the same sequence. VCF-style (leftmost placement, unchanged base first): chr16-2102484-AG-A. GRCh37 (hg19) VCF-style: chr16-2152485-AG-A.
Other names: c.9097del, p.Leu3033fs (NM_000296.4); short protein forms L3033fs.
Identifiers: ClinVar variation 3767130 (VCV003767130.2).